The following is an entry in ClinVar:

NM_002528.7(NTHL1):c.370G>T (p.Val124Leu)

Gene: NTHL1 (nth like DNA glycosylase 1; minus strand). Cytogenetic location: 16p13.3.
Variant type: single nucleotide variant.
Coding change: c.370G>T on transcript NM_002528.7 (MANE Select); coding-DNA position 370, G replaced by T.
Protein change: p.Val124Leu; replaces valine 124 with leucine.
Molecular consequence: missense variant. On other transcripts: intron variant (1).
Genome position (GRCh38, 1-based): chr16:2,044,785, C>A on the plus strand (G>T on the coding strand, the complement: NTHL1 is on the minus strand). VCF-style: chr16-2044785-C-A. GRCh37 (hg19) VCF-style: chr16-2094786-C-A.
Other names: c.370G>T, p.Val124Leu (LRG_1366t1); c.40G>T, p.Val14Leu (NM_001318194.2); c.355-1059G>T (NM_001318193.2); short protein forms V124L, V14L.
Identifiers: ClinVar variation 647681 (VCV000647681.16), dbSNP rs1271178921, ClinGen allele CA394294733.
Genomic context (GRCh38, chr16:2,044,785, plus strand): 5'-GCATGGCGCCCGCCGTCACCTGGTCTTTGGTTTGGCTGGAGAGCATCAGTGACAGCAGCA[C>A]CTGGTACCTGCGTACCTGCTTGTGCAGTGACAGGGACCGGGGTGGCGGCGGGTCCTGGGT-3'
Protein context (NP_002519.2, residues 114-134): SAPPKVRRYQ[Val124Leu]LLSLMLSSQT

ClinVar aggregate classification (germline): Uncertain significance. Review status: criteria provided, multiple submitters, no conflicts (2 of 4 stars). 2 submissions from 2 submitters: Uncertain significance (2). Last evaluated 2025-10-07.

Conditions:
Hereditary cancer-predisposing syndrome. Also called: Hereditary Cancer Syndrome; Tumor predisposition; Hereditary neoplastic syndrome; Neoplastic Syndromes, Hereditary. Identifiers: Orphanet 140162, MedGen C0027672, MeSH D009386, MONDO:0015356.

Allele frequency attached by ClinVar (database versions not stated): TOPMed 0.00001.
gnomAD v4.1: 5 of 1,608,410 alleles (0.00031%); highest among the groups gnomAD compares: East Asian, 0.0067%; no homozygotes.

Submissions (2):

Labcorp Genetics (formerly Invitae), Labcorp
Classification: Uncertain significance. Last evaluated: 2025-10-07. Review status: criteria provided, single submitter. Criteria: Invitae Variant Classification Sherloc (09022015). Collection method: clinical testing. Allele origin: germline.
Comment: This sequence change replaces valine, which is neutral and non-polar, with leucine, which is neutral and non-polar, at codon 132 of the NTHL1 protein (p.Val132Leu). The frequency data for this variant in the population databases is considered unreliable, as metrics indicate poor data quality at this position in the gnomAD database. This variant has not been reported in the literature in individuals affected with NTHL1-related conditions. ClinVar contains an entry for this variant (Variation ID: 647681). An algorithm developed to predict the effect of missense changes on protein structure and function (PolyPhen-2) suggests that this variant is likely to be tolerated. In summary, the available evidence is currently insufficient to determine the role of this variant in disease. Therefore, it has been classified as a Variant of Uncertain Significance.

Ambry Genetics
Classification: Uncertain significance for Hereditary cancer-predisposing syndrome. Last evaluated: 2025-02-22. Review status: criteria provided, single submitter. Criteria: Ambry Variant Classification Scheme 2023. Collection method: clinical testing. Allele origin: germline.
Comment: The p.V132L variant (also known as c.394G>T), located in coding exon 3 of the NTHL1 gene, results from a G to T substitution at nucleotide position 394. The valine at codon 132 is replaced by leucine, an amino acid with highly similar properties. This amino acid position is well conserved in available vertebrate species. In addition, the in silico prediction for this alteration is inconclusive. Since supporting evidence is limited at this time, the clinical significance of this alteration remains unclear.